The following is an entry in ClinVar:

NM_000284.4(PDHA1):c.355C>T (p.Arg119Trp)

Gene: PDHA1 (pyruvate dehydrogenase E1 subunit alpha 1; plus strand). Cytogenetic location: Xp22.12.
Variant type: single nucleotide variant.
Coding change: c.355C>T on transcript NM_000284.4 (MANE Select); coding-DNA position 355, C replaced by T.
Protein change: p.Arg119Trp; replaces arginine 119 with tryptophan.
Molecular consequence: missense variant.
Genome position (GRCh38, 1-based): chrX:19,351,344, C>T. VCF-style: chrX-19351344-C-T. GRCh37 (hg19) VCF-style: chrX-19369462-C-T.
Other names: c.355C>T (NM_000284.3); c.469C>T, p.Arg157Trp (NM_001173454.2); c.376C>T, p.Arg126Trp (NM_001173455.2); c.355C>T, p.Arg119Trp (NM_001173456.2); short protein forms R119W, R126W, R157W.
Identifiers: ClinVar variation 1320219 (VCV001320219.5), dbSNP rs2147176072, ClinGen allele CA412391097.

ClinVar aggregate classification (germline): Pathogenic/Likely pathogenic. Review status: criteria provided, multiple submitters, no conflicts (2 of 4 stars). 5 submissions from 5 submitters: Pathogenic (3); Likely pathogenic (1). 1 of the submissions does not count toward it. Last evaluated 2024-07-12.

Conditions:
Pyruvate dehydrogenase E1-alpha deficiency (PDHAD). Also called: ATAXIA, INTERMITTENT, WITH PYRUVATE DEHYDROGENASE DEFICIENCY; ATAXIA WITH LACTIC ACIDOSIS I; ATAXIA, INTERMITTENT, WITH ABNORMAL PYRUVATE METABOLISM; Ataxia, intermittent, with pyruvate dehydrogenase, or decarboxylase, deficiency. Identifiers: Orphanet 79243, MedGen C1839413, MONDO:0010717, OMIM 312170.

Submissions (5):

GeneDx
Classification: Pathogenic. Last evaluated: 2024-07-12. Review status: criteria provided, single submitter. Criteria: GeneDx Variant Classification Process June 2021. Collection method: clinical testing. Allele origin: germline. Affected: yes.
Comment: Not observed at significant frequency in large population cohorts (gnomAD); In silico analysis supports that this missense variant has a deleterious effect on protein structure/function; This variant is associated with the following publications: (PMID: 21914562, 32901917, 35943828, Ito2013[abstract], 25356417, 37270787)

Clinical Genetics Laboratory, Skane University Hospital Lund
Classification: Pathogenic. Last evaluated: 2022-05-27. Review status: criteria provided, single submitter. Criteria: ACMG Guidelines, 2015. Collection method: clinical testing. Allele origin: germline. Affected: yes.

3billion
Classification: Likely pathogenic for Pyruvate dehydrogenase E1-alpha deficiency. Last evaluated: 2021-10-02. Review status: criteria provided, single submitter. Criteria: ACMG Guidelines, 2015. Collection method: clinical testing. Allele origin: germline. Affected: yes. Observed: 1 heterozygote.
Comment: The missense variant is located in a mutational hot spot and/or well-established functional domain in which established pathogenic variants have been reported (PM1). It is not observed in the gnomAD v2.1.1 dataset (PM2). The variant was observed as assumed (i.e. paternity and maternity not confirmed) de novoo (3billion dataset, PM6). In silico tool predictions suggest damaging effect of the variant on gene or gene product (REVEL: 0.943, 3Cnet: 0.974, PP3). Patient's phenotype is considered compatible with Pyruvate Dehydrogenase E1-Alpha Dedicienct (3billion dataset, PP4). Therefore, this variant is classified as likely pathogenic according to the recommendation of ACMG/AMP guideline

Imagene.me medical diagnostic laboratory, IMAGENE.ME SA
Classification: Pathogenic for Pyruvate dehydrogenase E1-alpha deficiency. Review status: criteria provided, single submitter. Criteria: IMAGENE.ME Variant Classification SOP 2022. Collection method: clinical testing. Allele origin: de novo. Affected: yes.
Comment: Classified according to the IMAGENE.ME variant classification SOP based on the ACMG guidelines as Pathogenic (P): PS2 + PM1 + PM2 + PP3 + PP4

PDHA1 Study Group, University Children’s Hospital, Paracelsus Medical University
Classification: Likely pathogenic for Pyruvate dehydrogenase E1-alpha deficiency. Last evaluated: 2024-10-15. Review status: no assertion criteria provided. Collection method: research. Allele origin: de novo. Affected: yes. Observed: 7 variant alleles. Not counted in ClinVar's aggregate classification.
Comment: The NM_000284.3:c.355C>T (p.Arg119Trp) substitution is a missense variant in PDHA1 gene. In total, 7 individuals are diagnosed with PDHA1-related Pyruvate dehydrogenase complex (PDHc) deficiency (MIM #312170). These include 7 females. Among them, 3 cases have confirmed de novo occurrence. The variant has been reported in 3 published cases (PMIDs: 21914562, 28918066, 35943828, 23021068). Additional 4 unpublished cases from internal data are included. Last literature search: July 12, 2024. This variant is absent or extremely rare in population-based cohorts in the Genome Aggregation Database (gnomAD). Individuals harboring this variant present with clinical features compatible with PDHA1-related PDHc deficiency. In summary, this variant meets criteria to be classified as likely pathogenic (LP) for PDHA1-related PDHc deficiency based on the ACMG/AMP criteria applied: PM1, PM2, PM7, PP3 (last assessment October 15, 2024).

Literature cited by the submitters: PubMed 21914562 (cited by PDHA1 Study Group, University Children’s Hospital, Paracelsus Medical University); PubMed 28918066 (cited by PDHA1 Study Group, University Children’s Hospital, Paracelsus Medical University); PubMed 35943828 (cited by PDHA1 Study Group, University Children’s Hospital, Paracelsus Medical University); PubMed 23021068 (cited by PDHA1 Study Group, University Children’s Hospital, Paracelsus Medical University); DOI 10.1093/brain/awaf430 (cited by PDHA1 Study Group, University Children’s Hospital, Paracelsus Medical University).